The following is an entry in ClinVar:

NM_000748.3(CHRNB2):c.847dup (p.Ile283fs)

Gene: CHRNB2 (cholinergic receptor nicotinic beta 2 subunit; plus strand). Cytogenetic location: 1q21.3.
Variant type: Duplication.
Coding change: c.847dup on transcript NM_000748.3 (MANE Select); coding-DNA position 847, one base duplicated (A; older notation c.847dupA).
Protein change: p.Ile283fs; shifts the reading frame from isoleucine 283.
Molecular consequence: frameshift variant.
Genome position (GRCh38, 1-based): chr1:154,571,670, A duplicated. VCF-style (leftmost placement, unchanged base first): chr1-154571669-C-CA. GRCh37 (hg19) VCF-style: chr1-154544145-C-CA.
Other names: c.847dup (NM_000748.2); short protein forms I283fs.
Identifiers: ClinVar variation 1416407 (VCV001416407.7), dbSNP rs2101521229, ClinGen allele CA2573131094.

ClinVar aggregate classification (germline): Uncertain significance. Review status: criteria provided, multiple submitters, no conflicts (2 of 4 stars). 2 submissions from 2 submitters: Uncertain significance (2). Last evaluated 2024-07-25.

Conditions:
Familial sleep-related hypermotor epilepsy. Also called: Autosomal Dominant Sleep-Related Hypermotor (Hyperkinetic) Epilepsy. Identifiers: Orphanet 98784, MedGen C3696898, MONDO:0000030.

Submissions (2):

GeneDx
Classification: Uncertain significance. Last evaluated: 2024-07-25. Review status: criteria provided, single submitter. Criteria: GeneDx Variant Classification Process June 2021. Collection method: clinical testing. Allele origin: germline. Affected: yes.
Comment: Not observed at significant frequency in large population cohorts (gnomAD); Has not been previously published as pathogenic or benign to our knowledge; Frameshift variant predicted to result in protein truncation or nonsense mediated decay in a gene for which loss-of-function is not an established mechanism of disease

Labcorp Genetics (formerly Invitae), Labcorp
Classification: Uncertain significance. Last evaluated: 2021-09-15. Review status: criteria provided, single submitter. Criteria: Invitae Variant Classification Sherloc (09022015). Collection method: clinical testing. Allele origin: germline.
Comment: In summary, the available evidence is currently insufficient to determine the role of this variant in disease. Therefore, it has been classified as a Variant of Uncertain Significance. This variant has not been reported in the literature in individuals affected with CHRNB2-related conditions. This variant is not present in population databases (ExAC no frequency). This sequence change creates a premature translational stop signal (p.Ile283Asnfs*87) in the CHRNB2 gene. It is expected to result in an absent or disrupted protein product. However, the current clinical and genetic evidence is not sufficient to establish whether loss-of-function variants in CHRNB2 cause disease.